The following is an entry in ClinVar:

NM_003482.4(KMT2D):c.2286_2312dup (p.Gln773_Pro774insAlaGluGluProHisLeuSerProGln)

Gene: KMT2D (lysine methyltransferase 2D; minus strand). Cytogenetic location: 12q13.12.
Variant type: Duplication.
Coding change: c.2286_2312dup on transcript NM_003482.4 (MANE Select); coding-DNA positions 2286 to 2312, 27 bases duplicated (TCCGCAGGCTGAGGAGCCACACCTGTC).
Protein change: p.Gln773_Pro774insAlaGluGluProHisLeuSerProGln.
Molecular consequence: inframe insertion. On other transcripts: inframe indel (1).
Genome position (GRCh38, 1-based): chr12:49,051,371-49,051,397, GACAGGTGTGGCTCCTCAGCCTGCGGA duplicated on the plus strand (TCCGCAGGCTGAGGAGCCACACCTGTC on the coding strand, the reverse complement: KMT2D is on the minus strand); duplicating any 27 consecutive bases within chr12:49,051,371-49,051,399 gives the same sequence; the c. name uses the placement nearest the transcript's 3' end. VCF-style (leftmost placement, unchanged base first): chr12-49051370-G-GGACAGGTGTGGCTCCTCAGCCTGCGGA. GRCh37 (hg19) VCF-style: chr12-49445153-G-GGACAGGTGTGGCTCCTCAGCCTGCGGA.
Other names: c.2286_2312dup (NM_003482.3); c.2286_2312dup27 (NM_003482.3).
Identifiers: ClinVar variation 3352818 (VCV003352818.3).
Genomic context (GRCh38, chr12:49,051,370, plus strand): 5'-CTGGGGGGACAAGTGTGGCTCCTCAGGCACAGCGCATAGGCATGGCTCCTCAGGCTGGGG[G>GGACAGGTGTGGCTCCTCAGCCTGCGGA]GACAGGTGTGGCTCCTCAGCCTGCGGAGATAGGTGTGGCTCCTCAGGCCGGGGGGACAGG-3'

ClinVar aggregate classification (germline): Uncertain significance. Review status: criteria provided, multiple submitters, no conflicts (2 of 4 stars). 3 submissions from 3 submitters: Uncertain significance (2). 1 of the submissions does not count toward it. Last evaluated 2024-09-13.

Conditions:
Kabuki syndrome 1 (KABUK1). Also called: KMT2D-Related Kabuki Syndrome. Identifiers: Orphanet 2322, MedGen CN030661, MONDO:0007843, OMIM 147920.
Choanal atresia-athelia-hypothyroidism-delayed puberty-short stature syndrome (BCAHH). Also called: BRANCHIAL ARCH ABNORMALITIES, CHOANAL ATRESIA, ATHELIA, HEARING LOSS, AND HYPOTHYROIDISM SYNDROME. Identifiers: Orphanet 589856, MedGen C5680310, MONDO:0035651, OMIM 620186.
KMT2D-related disorder. Also called: KMT2D-Related Disorders.

Submissions (3):

GeneDx
Classification: Uncertain significance. Last evaluated: 2024-09-13. Review status: criteria provided, single submitter. Criteria: GeneDx Variant Classification Process June 2021. Collection method: clinical testing. Allele origin: germline. Affected: yes.
Comment: In-frame duplication of 9 amino acids in a non-repeat region; In silico analysis suggests this variant may impact gene splicing. In the absence of RNA/functional studies, the actual effect of this sequence change is unknown.; Has not been previously published as pathogenic or benign to our knowledge

Fulgent Genetics
Classification: Uncertain significance for Kabuki syndrome 1; Choanal atresia-athelia-hypothyroidism-delayed puberty-short stature syndrome. Last evaluated: 2024-01-04. Review status: criteria provided, single submitter. Criteria: ACMG Guidelines, 2015. Collection method: clinical testing. Allele origin: germline.

PreventionGenetics, part of Exact Sciences
Classification: Uncertain significance for KMT2D-related condition. Last evaluated: 2024-08-12. Review status: no assertion criteria provided. Collection method: clinical testing. Allele origin: germline. Not counted in ClinVar's aggregate classification.
Comment: The KMT2D c.2286_2312dup27 variant is predicted to result in an in-frame duplication (p.Ala765_Gln773dup). To our knowledge, this variant has not been reported in the literature. This variant is reported in 0.00093% of alleles in individuals of European (Non-Finnish) descent in gnomAD, and several other in-frame deletions and duplications affecting this region are common in gnomAD. Although we suspect this variant may be benign, at this time the clinical significance is uncertain due to the absence of conclusive functional and genetic evidence.